The following is an entry in ClinVar:

NM_033026.6(PCLO):c.7852C>T (p.Pro2618Ser)

Gene: PCLO (piccolo presynaptic cytomatrix protein; minus strand). Cytogenetic location: 7q21.11.
Variant type: single nucleotide variant.
Coding change: c.7852C>T on transcript NM_033026.6 (MANE Select); coding-DNA position 7852, C replaced by T.
Protein change: p.Pro2618Ser; replaces proline 2618 with serine.
Molecular consequence: missense variant.
Genome position (GRCh38, 1-based): chr7:82,953,101, G>A on the plus strand (C>T on the coding strand, the complement: PCLO is on the minus strand). VCF-style: chr7-82953101-G-A. GRCh37 (hg19) VCF-style: chr7-82582417-G-A.
Other names: c.7852C>T, p.Pro2618Ser (NM_014510.3); short protein forms P2618S.
Identifiers: ClinVar variation 2138222 (VCV002138222.1), dbSNP rs759415107, ClinGen allele CA4320238.

ClinVar aggregate classification (germline): Uncertain significance (1 of 4 stars; one submission).

Allele frequency attached by ClinVar (database versions not stated): gnomAD exomes below 0.00001; ExAC 0.00001; gnomAD 0.00002; TOPMed 0.00002.
gnomAD v4.1: 9 of 1,613,754 alleles (0.00056%); highest among the groups gnomAD compares: Admixed American, 0.0033%; no homozygotes.

Submission:

Labcorp Genetics (formerly Invitae), Labcorp
Classification: Uncertain significance. Last evaluated: 2022-07-14. Review status: criteria provided, single submitter. Criteria: Invitae Variant Classification Sherloc (09022015). Collection method: clinical testing. Allele origin: germline.
Comment: This sequence change replaces proline, which is neutral and non-polar, with serine, which is neutral and polar, at codon 2618 of the PCLO protein (p.Pro2618Ser). This variant is present in population databases (rs759415107, gnomAD 0.003%). This variant has not been reported in the literature in individuals affected with PCLO-related conditions. Algorithms developed to predict the effect of missense changes on protein structure and function output the following: SIFT: "Tolerated"; PolyPhen-2: "Not Available"; Align-GVGD: "Class C0". The serine amino acid residue is found in multiple mammalian species, which suggests that this missense change does not adversely affect protein function. In summary, the available evidence is currently insufficient to determine the role of this variant in disease. Therefore, it has been classified as a Variant of Uncertain Significance.